The following is an entry in ClinVar:

NM_001572.5(IRF7):c.1346T>A (p.Val449Asp)

Gene: IRF7 (interferon regulatory factor 7; minus strand). Cytogenetic location: 11p15.5.
Variant type: single nucleotide variant.
Coding change: c.1346T>A on transcript NM_001572.5 (MANE Select); coding-DNA position 1346, T replaced by A.
Protein change: p.Val449Asp; replaces valine 449 with aspartic acid.
Molecular consequence: missense variant.
Genome position (GRCh38, 1-based): chr11:613,009, A>T on the plus strand (T>A on the coding strand, the complement: IRF7 is on the minus strand). VCF-style: chr11-613009-A-T. GRCh37 (hg19) VCF-style: chr11-613009-A-T.
Other names: c.1259T>A, p.Val420Asp (NM_004029.4); c.1385T>A, p.Val462Asp (NM_004031.4); short protein forms V420D, V462D, V449D.
Identifiers: ClinVar variation 1046279 (VCV001046279.8), dbSNP rs1856529585, ClinGen allele CA378976578.
Genomic context (GRCh38, chr11:613,009, plus strand): 5'-GTCAGTGGGCCTGAGCACATGGCCTCCCCTCCTTGAGGCTCTGGTCTCACCTTCACCAGG[A>T]CCAGGCTCTTCTCCTTGGGCCTCCCAGCTGACAGGTCCTGCCCGAAGCCCAGGTAGATGG-3'
Protein context (NP_001563.2, residues 439-459): SAGRPKEKSL[Val449Asp]LVKLEPWLCR

ClinVar aggregate classification (germline): Uncertain significance (1 of 4 stars; one submission).

Conditions:
Immunodeficiency 39 (IMD39). Identifiers: Orphanet 574918, MedGen C4225358, MONDO:0014597, OMIM 616345.

Submission:

Labcorp Genetics (formerly Invitae), Labcorp
Classification: Uncertain significance for Immunodeficiency 39. Last evaluated: 2024-02-16. Review status: criteria provided, single submitter. Criteria: Invitae Variant Classification Sherloc (09022015). Collection method: clinical testing. Allele origin: germline.
Comment: This sequence change replaces valine, which is neutral and non-polar, with aspartic acid, which is acidic and polar, at codon 462 of the IRF7 protein (p.Val462Asp). This variant is not present in population databases (gnomAD no frequency). This variant has not been reported in the literature in individuals affected with IRF7-related conditions. ClinVar contains an entry for this variant (Variation ID: 1046279). Advanced modeling of protein sequence and biophysical properties (such as structural, functional, and spatial information, amino acid conservation, physicochemical variation, residue mobility, and thermodynamic stability) performed at Invitae indicates that this missense variant is expected to disrupt IRF7 protein function with a positive predictive value of 80%. In summary, the available evidence is currently insufficient to determine the role of this variant in disease. Therefore, it has been classified as a Variant of Uncertain Significance.